The following is an entry in ClinVar:

NM_031935.3(HMCN1):c.6526G>A (p.Ala2176Thr)

Gene: HMCN1 (hemicentin 1; plus strand). Cytogenetic location: 1q31.1.
Variant type: single nucleotide variant.
Coding change: c.6526G>A on transcript NM_031935.3 (MANE Select); coding-DNA position 6526, G replaced by A.
Protein change: p.Ala2176Thr; replaces alanine 2176 with threonine.
Molecular consequence: missense variant.
Genome position (GRCh38, 1-based): chr1:186,048,788, G>A. VCF-style: chr1-186048788-G-A. GRCh37 (hg19) VCF-style: chr1-186017920-G-A.
Other names: short protein forms A2176T.
Identifiers: ClinVar variation 2998784 (VCV002998784.3), dbSNP rs2527685722, ClinGen allele CA343900528.

ClinVar aggregate classification (germline): Uncertain significance (1 of 4 stars; one submission).

Submission:

Labcorp Genetics (formerly Invitae), Labcorp
Classification: Uncertain significance. Last evaluated: 2024-02-23. Review status: criteria provided, single submitter. Criteria: Invitae Variant Classification Sherloc (09022015). Collection method: clinical testing. Allele origin: germline.
Comment: This sequence change replaces alanine, which is neutral and non-polar, with threonine, which is neutral and polar, at codon 2176 of the HMCN1 protein (p.Ala2176Thr). This variant is not present in population databases (gnomAD no frequency). This variant has not been reported in the literature in individuals affected with HMCN1-related conditions. An algorithm developed to predict the effect of missense changes on protein structure and function (PolyPhen-2) suggests that this variant is likely to be disruptive. In summary, the available evidence is currently insufficient to determine the role of this variant in disease. Therefore, it has been classified as a Variant of Uncertain Significance.